The following is an entry in ClinVar:

NM_001099922.3(ALG13):c.65C>A (p.Ala22Glu)

Gene: ALG13 (ALG13 UDP-N-acetylglucosaminyltransferase subunit; plus strand). Cytogenetic location: Xq23.
Variant type: single nucleotide variant.
Coding change: c.65C>A on transcript NM_001099922.3 (MANE Select); coding-DNA position 65, C replaced by A.
Protein change: p.Ala22Glu; replaces alanine 22 with glutamic acid.
Molecular consequence: missense variant. On other transcripts: 5 prime UTR variant (9), non-coding transcript variant (3).
Genome position (GRCh38, 1-based): chrX:111,681,283, C>A. VCF-style: chrX-111681283-C-A. GRCh37 (hg19) VCF-style: chrX-110924511-C-A.
Other names: c.65C>A, p.Ala22Glu (NM_001039210.5, NM_001168385.3, NM_001324290.2 and 2 more transcripts); c.-144C>A (NM_001257230.2, NM_001324291.2); c.-236C>A (NM_001257231.2, NM_001257241.3); c.-269C>A (NM_001257234.2, NM_001257235.3); c.-373C>A (NM_001257237.2, NM_001257240.3, NM_001324293.1); short protein forms A22E.
Identifiers: ClinVar variation 2849328 (VCV002849328.3), dbSNP rs2525007462, ClinGen allele CA414248075.

ClinVar aggregate classification (germline): Uncertain significance (1 of 4 stars; one submission).

Conditions:
Developmental and epileptic encephalopathy, 36 (DEE36). Also called: ALG13-CDG; Epileptic encephalopathy, early infantile, 36; Congenital disorder of glycosylation, type Is. Identifiers: Orphanet 324422, MedGen C4317295, MONDO:0010472, OMIM 300884.

Submission:

Labcorp Genetics (formerly Invitae), Labcorp
Classification: Uncertain significance for Developmental and epileptic encephalopathy, 36. Last evaluated: 2023-03-25. Review status: criteria provided, single submitter. Criteria: Invitae Variant Classification Sherloc (09022015). Collection method: clinical testing. Allele origin: germline.
Comment: In summary, the available evidence is currently insufficient to determine the role of this variant in disease. Therefore, it has been classified as a Variant of Uncertain Significance. An algorithm developed to predict the effect of missense changes on protein structure and function (PolyPhen-2) suggests that this variant is likely to be disruptive. This variant has not been reported in the literature in individuals affected with ALG13-related conditions. This variant is not present in population databases (gnomAD no frequency). This sequence change replaces alanine, which is neutral and non-polar, with glutamic acid, which is acidic and polar, at codon 22 of the ALG13 protein (p.Ala22Glu).